The following is an entry in ClinVar:

ClinVar aggregate classification (germline): Benign. Review status: criteria provided, multiple submitters, no conflicts (2 of 4 stars). 5 submissions from 5 submitters: Benign (4). 1 of the submissions does not count toward it. Last evaluated 2026-02-03.

Conditions:
PKD1L1-related disorder. Also called: PKD1L1-related condition.

Allele frequency attached by ClinVar (database versions not stated): 1000 Genomes Project 0.47883; 1000 Genomes Project 30x 0.48173; TOPMed 0.49280; ESP Exome Variant Server 0.49323; ExAC 0.49770; gnomAD exomes 0.49934 and 0.50585; gnomAD 0.50096 and 0.50451.
gnomAD v4.1: 814,535 of 1,613,278 alleles (50%); highest among the groups gnomAD compares: Admixed American, 53%; 207,147 homozygotes.

Submissions (5):

Labcorp Genetics (formerly Invitae), Labcorp
Classification: Benign. Last evaluated: 2026-02-03. Review status: criteria provided, single submitter. Criteria: Invitae Variant Classification Sherloc (09022015). Collection method: clinical testing. Allele origin: germline.

Blueprint Genetics
Classification: Benign. Last evaluated: 2024-11-27. Review status: criteria provided, single submitter. Criteria: ACMG Guidelines, 2015. Collection method: clinical testing. Allele origin: germline.

GeneDx
Classification: Benign. Last evaluated: 2018-11-12. Review status: criteria provided, single submitter. Criteria: GeneDx Variant Classification Process June 2021. Collection method: clinical testing. Allele origin: germline. Affected: yes.

Breakthrough Genomics
Classification: Benign. Review status: criteria provided, single submitter. Criteria: ACMG Guidelines, 2015. Collection method: not provided. Allele origin: germline. Inheritance: Autosomal recessive inheritance. Affected: yes.

PreventionGenetics, part of Exact Sciences
Classification: Benign for PKD1L1-related condition. Last evaluated: 2023-06-22. Review status: no assertion criteria provided. Collection method: clinical testing. Allele origin: germline. Not counted in ClinVar's aggregate classification.
Comment: This variant is classified as benign based on ACMG/AMP sequence variant interpretation guidelines (Richards et al. 2015 PMID: 25741868, with internal and published modifications).

NM_138295.5(PKD1L1):c.477T>C (p.Cys159=)

Gene: PKD1L1 (polycystin 1 like 1, transient receptor potential channel interacting; minus strand). Cytogenetic location: 7p12.3.
Variant type: single nucleotide variant.
Coding change: c.477T>C on transcript NM_138295.5 (MANE Select); coding-DNA position 477, T replaced by C.
Protein change: p.Cys159=; no amino-acid change (cysteine 159 retained).
Molecular consequence: synonymous variant.
Genome position (GRCh38, 1-based): chr7:47,931,978, A>G on the plus strand (T>C on the coding strand, the complement: PKD1L1 is on the minus strand). VCF-style: chr7-47931978-A-G. GRCh37 (hg19) VCF-style: chr7-47971575-A-G.
Identifiers: ClinVar variation 1271383 (VCV001271383.10), dbSNP rs885337, ClinGen allele CA4254339.
Genomic context (GRCh38, chr7:47,931,978, plus strand): 5'-CAGGGGTTAGATACCAACCTGGAGAAGAGCAGAGAATGTGCTGTCTGCGGTCCCAGTAGC[A>G]CACAGCCGCCTGTGATGGAACCTGGGGCCACCACTGCTCCAGGCCCTTGCGATTATAATG-3'
Protein context (NP_612152.1, residues 149-169): GGPRFHHRRL[Cys159=]ATGTADSTFS